The following is an entry in ClinVar:

NM_000135.4(FANCA):c.4260+2dup

Genes: FANCA (FA complementation group A; minus strand), ZNF276 (zinc finger protein 276; plus strand). Cytogenetic location: 16q24.3.
Variant type: Duplication.
Coding change: c.4260+2dup on transcript NM_000135.4 (MANE Select); the canonical splice donor site of the intron after coding-DNA position 4260, one base duplicated (T; older notation c.4260+2dupT).
Molecular consequence: splice donor variant. On other transcripts: 3 prime UTR variant (2), non-coding transcript variant (4).
Genome position (GRCh38, 1-based): chr16:89,738,880, A duplicated on the plus strand (T on the coding strand, the reverse complement: FANCA is on the minus strand). VCF-style (leftmost placement, unchanged base first): chr16-89738879-T-TA. GRCh37 (hg19) VCF-style: chr16-89805287-T-TA.
Other names: c.4260+2dupT (NM_000135.4); c.*634dup (NM_001113525.2, NM_152287.4); c.4264+2dup (NM_001286167.3).
Identifiers: ClinVar variation 4687127 (VCV004687127.1).

ClinVar aggregate classification (germline): Uncertain significance (1 of 4 stars; one submission).

Submission:

Women's Health and Genetics/Laboratory Corporation of America, LabCorp
Classification: Uncertain significance. Last evaluated: 2025-10-21. Review status: criteria provided, single submitter. Criteria: LabCorp Variant Classification Summary - May 2015. Collection method: clinical testing. Allele origin: germline.
Comment: Variant summary: FANCA c.4260+2dupT alters a nucleotide located close to a canonical splice site and therefore could affect mRNA splicing, leading to a significantly altered protein sequence. Several computational tools predict a significant impact on normal splicing: Four predict the variant abolishes a 5' splicing donor site. However, these predictions have yet to be confirmed by functional studies. The variant was absent in 251458 control chromosomes. The available data on variant occurrences in the general population are insufficient to allow any conclusion about variant significance. To our knowledge, no occurrence of c.4260+2dupT in individuals affected with FANCA-related conditions and no experimental evidence demonstrating its impact on protein function have been reported. No submitters have cited clinical-significance assessments for this variant to ClinVar. Based on the evidence outlined above, the variant was classified as uncertain significance.